The following is an entry in ClinVar:

ClinVar aggregate classification (germline): Uncertain significance (1 of 4 stars; one submission).

Allele frequency attached by ClinVar (database versions not stated): ExAC 0.00115.
gnomAD v4.1: 47 of 1,494,732 alleles (0.0031%); highest among the groups gnomAD compares: South Asian, 0.058%; no homozygotes.

Submission:

Labcorp Genetics (formerly Invitae), Labcorp
Classification: Uncertain significance. Last evaluated: 2022-01-02. Review status: criteria provided, single submitter. Criteria: Invitae Variant Classification Sherloc (09022015). Collection method: clinical testing. Allele origin: germline.
Comment: In summary, the available evidence is currently insufficient to determine the role of this variant in disease. Therefore, it has been classified as a Variant of Uncertain Significance. Algorithms developed to predict the effect of missense changes on protein structure and function are either unavailable or do not agree on the potential impact of this missense change (SIFT: "Tolerated"; PolyPhen-2: "Not Available"; Align-GVGD: "Class C0"). This variant has not been reported in the literature in individuals affected with PLOD3-related conditions. This variant is present in population databases (rs753195591, gnomAD 0.06%). This sequence change replaces proline, which is neutral and non-polar, with threonine, which is neutral and polar, at codon 8 of the PLOD3 protein (p.Pro8Thr).

NM_001084.5(PLOD3):c.22C>A (p.Pro8Thr)

Gene: PLOD3 (procollagen-lysine,2-oxoglutarate 5-dioxygenase 3; minus strand). Cytogenetic location: 7q22.1.
Variant type: single nucleotide variant.
Coding change: c.22C>A on transcript NM_001084.5 (MANE Select); coding-DNA position 22, C replaced by A.
Protein change: p.Pro8Thr; replaces proline 8 with threonine.
Molecular consequence: missense variant.
Genome position (GRCh38, 1-based): chr7:101,217,253, G>T on the plus strand (C>A on the coding strand, the complement: PLOD3 is on the minus strand). VCF-style: chr7-101217253-G-T. GRCh37 (hg19) VCF-style: chr7-100860534-G-T.
Other names: short protein forms P8T.
Identifiers: ClinVar variation 1406387 (VCV001406387.8), dbSNP rs753195591, ClinGen allele CA4408333.